The following is an entry in ClinVar:

ClinVar aggregate classification (germline): Conflicting classifications of pathogenicity. Review status: criteria provided, conflicting classifications (1 of 4 stars). 2 submissions from 2 submitters: Uncertain significance (1); Likely benign (1). Last evaluated 2026-01-13.

gnomAD v4.1: 5 of 1,614,194 alleles (0.00031%); highest among the groups gnomAD compares: East Asian, 0.011%; no homozygotes.

Submissions (2):

Labcorp Genetics (formerly Invitae), Labcorp
Classification: Uncertain significance. Last evaluated: 2026-01-13. Review status: criteria provided, single submitter. Criteria: Invitae Variant Classification Sherloc (09022015). Collection method: clinical testing. Allele origin: germline.
Comment: This sequence change replaces proline, which is neutral and non-polar, with alanine, which is neutral and non-polar, at codon 472 of the CAPN5 protein (p.Pro472Ala). This variant is present in population databases (rs782489181, gnomAD 0.03%). This variant has not been reported in the literature in individuals affected with CAPN5-related conditions. Invitae Evidence Modeling of protein sequence and biophysical properties (such as structural, functional, and spatial information, amino acid conservation, physicochemical variation, residue mobility, and thermodynamic stability) indicates that this missense variant is not expected to disrupt CAPN5 protein function with a negative predictive value of 80%. In summary, the available evidence is currently insufficient to determine the role of this variant in disease. Therefore, it has been classified as a Variant of Uncertain Significance.

Blueprint Genetics
Classification: Likely benign. Last evaluated: 2022-08-05. Review status: criteria provided, single submitter. Criteria: ACMG Guidelines, 2015. Collection method: clinical testing. Allele origin: germline.

NM_004055.5(CAPN5):c.1414C>G (p.Pro472Ala)

Gene: CAPN5 (calpain 5; plus strand). Cytogenetic location: 11q13.5.
Variant type: single nucleotide variant.
Coding change: c.1414C>G on transcript NM_004055.5 (MANE Select); coding-DNA position 1414, C replaced by G.
Protein change: p.Pro472Ala; replaces proline 472 with alanine.
Molecular consequence: missense variant. On other transcripts: non-coding transcript variant (1).
Genome position (GRCh38, 1-based): chr11:77,120,836, C>G. VCF-style: chr11-77120836-C-G. GRCh37 (hg19) VCF-style: chr11-76831882-C-G.
Other names: c.1534C>G, p.Pro512Ala (NM_001425321.1); c.1414C>G, p.Pro472Ala (NM_001425322.1); c.1282C>G, p.Pro428Ala (NM_001425323.1); short protein forms P472A, P428A, P512A.
Identifiers: ClinVar variation 4774259 (VCV004774259.2).